The following is an entry in ClinVar:

NM_001458.5(FLNC):c.7484G>A (p.Arg2495His)

Genes: FLNC (filamin C; plus strand), FLNC-AS1 (FLNC antisense RNA 1; minus strand). Cytogenetic location: 7q32.1.
Variant type: single nucleotide variant.
Coding change: c.7484G>A on transcript NM_001458.5 (MANE Select); coding-DNA position 7484, G replaced by A.
Protein change: p.Arg2495His; replaces arginine 2495 with histidine.
Molecular consequence: missense variant.
Genome position (GRCh38, 1-based): chr7:128,856,844, G>A. VCF-style: chr7-128856844-G-A. GRCh37 (hg19) VCF-style: chr7-128496898-G-A.
Other names: p.Arg2495His; c.7385G>A, p.Arg2462His (NM_001127487.2); short protein forms R2495H, R2462H.
Identifiers: ClinVar variation 539406 (VCV000539406.18), dbSNP rs757219498, ClinGen allele CA4476280.

ClinVar aggregate classification (germline): Conflicting classifications of pathogenicity. Review status: criteria provided, conflicting classifications (1 of 4 stars). 8 submissions from 8 submitters: Uncertain significance (7); Likely benign (1). Last evaluated 2026-09-21.

Conditions:
FLNC-related disorder. Also called: FLNC-related disorders; FLNC-related condition.
Myofibrillar myopathy 5. Also called: Filaminopathy (type); FILAMINOPATHY, AUTOSOMAL DOMINANT. Identifiers: Orphanet 171445, MedGen C1836050, MONDO:0012289, OMIM 609524.
Distal myopathy with posterior leg and anterior hand involvement. Also called: WILLIAMS DISTAL MYOPATHY. Identifiers: Orphanet 63273, MedGen C3279722, MONDO:0013550, OMIM 614065.
Hypertrophic cardiomyopathy 26. Also called: Cardiomyopathy, familial hypertrophic, 26. Identifiers: Orphanet 75249, MedGen C4310749, MONDO:0014883, OMIM 617047.
Primary familial hypertrophic cardiomyopathy (HCM). Identifiers: Orphanet 99739, MedGen C0949658, MeSH D024741, MONDO:0024573. Inheritance: Various modes of inheritance.
Cardiovascular phenotype. Identifiers: MedGen CN230736.

Allele frequency attached by ClinVar (database versions not stated): gnomAD exomes 0.00002 and below 0.00001; gnomAD 0.00003; TOPMed 0.00003; ExAC 0.00002.
gnomAD v4.1: 10 of 1,614,078 alleles (0.00062%); highest among the groups gnomAD compares: Admixed American, 0.0017%; no homozygotes.

Submissions (8):

Molecular Diagnostic Laboratory for Inherited Cardiovascular Disease, Montreal Heart Institute
Classification: Uncertain significance for Cardiovascular phenotype. Last evaluated: 2026-09-21. Review status: criteria provided, single submitter. Criteria: ACMG Guidelines, 2015. Collection method: clinical testing. Allele origin: germline. Affected: yes.
Comment: PM2

PreventionGenetics, part of Exact Sciences
Classification: Uncertain significance for FLNC-related condition. Last evaluated: 2026-03-31. Review status: criteria provided, single submitter. Criteria: ACMG Guidelines, 2015. Collection method: clinical testing. Allele origin: germline.
Comment: The FLNC c.7484G>A variant is predicted to result in the amino acid substitution p.Arg2495His. This variant has been reported in an individual with mild hypertrophic cardiomyopathy (Ader et al. 2019. PubMed ID: 31245841). This variant is reported in 0.0031% of alleles in individuals of European (Non-Finnish) descent in gnomAD. At this time, the clinical significance of this variant is uncertain due to the absence of conclusive functional and genetic evidence.

Labcorp Genetics (formerly Invitae), Labcorp
Classification: Likely benign for Distal myopathy with posterior leg and anterior hand involvement; Myofibrillar myopathy 5; Hypertrophic cardiomyopathy 26. Last evaluated: 2026-01-13. Review status: criteria provided, single submitter. Criteria: Invitae Variant Classification Sherloc (09022015). Collection method: clinical testing. Allele origin: germline.

Petrovsky National Research Centre of Surgery, The Federal Agency for Scientific Organizations
Classification: Uncertain significance for Primary familial hypertrophic cardiomyopathy. Last evaluated: 2025-11-07. Review status: criteria provided, single submitter. Criteria: ACMG Guidelines, 2015. Collection method: research. Allele origin: unknown. Inheritance: Autosomal dominant inheritance. Affected: yes. Observed: 1 heterozygote.
Comment: Clinvar (VCV000539406.13) contains 4 entries for this variant. The variant is described in the literature in 1 patient with cardiomyopathy (PMID: 31245841). This, combined with two descriptions of patients with hypertrophic cardiomyopathy in the Clinvar and the current patient, gives a total of 4 probands (PS4_ Supporting). Variant NM_001458.5: c.7484G>A (p.Arg2495His) is in The Genome Aggregation Database (gnomAD) v4.1.0 with total MAF=0.000006195 (Date of access 04-11-2025) (PM2). FLNC gene has a low rate of benign missense variation (Z scores =5.95≥3.09) (PP2). Computational evidence supports a deleterious effect: REVEL score=0.796>0.7 (PP3).

Ambry Genetics
Classification: Uncertain significance for Cardiovascular phenotype. Last evaluated: 2025-10-10. Review status: criteria provided, single submitter. Criteria: Ambry Variant Classification Scheme 2023. Collection method: clinical testing. Allele origin: germline.
Comment: The p.R2495H variant (also known as c.7484G>A), located in coding exon 45 of the FLNC gene, results from a G to A substitution at nucleotide position 7484. The arginine at codon 2495 is replaced by histidine, an amino acid with highly similar properties. This alteration has been reported in a cardiomyopathy cohort (Ader F et al. Clin Genet, 2019 Oct;96:317-329). This amino acid position is highly conserved in available vertebrate species. In addition, this alteration is predicted to be deleterious by in silico analysis. Since supporting evidence is limited at this time, the clinical significance of this alteration remains unclear.

Clinical Genomics Laboratory, Washington University in St. Louis
Classification: Uncertain significance for Hypertrophic cardiomyopathy 26; Myofibrillar myopathy 5. Last evaluated: 2024-12-10. Review status: criteria provided, single submitter. Criteria: ACMG Guidelines, 2015. Collection method: clinical testing. Allele origin: germline.
Comment: The FLNC c.7484G>A (p.Arg2495His) variant has been reported in at least one patient with mild hypertrophy (Ader F et al., PMID: 31245841). This variant is only observed on 6/280,878 alleles in the general population (gnomAD v.2.1.1), indicating it is not a common variant. Computational predictors indicate that the variant is damaging, evidence that may correlate with impact to FLNC function. This variant has been reported in the ClinVar database as a germline variant of uncertain significance by three submitters and likely benign by one submitter. Due to limited information, and based on ACMG/AMP guidelines for variant interpretation (Richards S et al., PMID: 25741868), the clinical significance of this variant is uncertain at this time.

Mayo Clinic Laboratories, Mayo Clinic
Classification: Uncertain significance. Last evaluated: 2023-06-13. Review status: criteria provided, single submitter. Criteria: ACMG Guidelines, 2015. Collection method: clinical testing. Allele origin: germline. Observed: 1 variant allele.
Comment: PP3, PS4_supporting

Blueprint Genetics
Classification: Uncertain significance. Last evaluated: 2019-12-18. Review status: criteria provided, single submitter. Criteria: ACMG Guidelines, 2015. Collection method: clinical testing. Allele origin: germline.

Literature cited by the submitters: PubMed 31245841 (cited by Petrovsky National Research Centre of Surgery, The Federal Agency for Scientific Organizations and Ambry Genetics); PubMed 30418145 (cited by Ambry Genetics and Mayo Clinic Laboratories, Mayo Clinic).